The following is an entry in ClinVar:

ClinVar aggregate classification (germline): Uncertain significance (1 of 4 stars; one submission).

Submission:

GeneDx
Classification: Uncertain significance. Last evaluated: 2023-08-08. Review status: criteria provided, single submitter. Criteria: GeneDx Variant Classification Process June 2021. Collection method: clinical testing. Allele origin: germline.
Comment: Not observed at significant frequency in large population cohorts (gnomAD); Nonsense variant predicted to result in protein truncation or nonsense mediated decay in a gene or region of a gene for which loss of function is not a well-established mechanism of disease; Has not been previously published as pathogenic or benign to our knowledge; Variants in candidate genes are classified as variants of uncertain significance in accordance with ACMG guidelines (Richards et al., 2015)

NM_002332.3(LRP1):c.4780C>T (p.Arg1594Ter)

Gene: LRP1 (LDL receptor related protein 1; plus strand). Cytogenetic location: 12q13.3.
Variant type: single nucleotide variant.
Coding change: c.4780C>T on transcript NM_002332.3 (MANE Select); coding-DNA position 4780, C replaced by T.
Protein change: p.Arg1594Ter; replaces arginine 1594 with a stop codon.
Molecular consequence: nonsense.
Genome position (GRCh38, 1-based): chr12:57,179,370, C>T. VCF-style: chr12-57179370-C-T. GRCh37 (hg19) VCF-style: chr12-57573153-C-T.
Other names: short protein forms R1594*.
Identifiers: ClinVar variation 4976653 (VCV004976653.1).
Genomic context (GRCh38, chr12:57,179,370, plus strand): 5'-ACCAGCCCATGCCCCACAGAGTTTAAGAAGTTCCTGCTGTACGCACGTCAGATGGAGATC[C>T]GAGGTGTGGACCTGGATGCTCCCTACTACAACTACATCATCTCCTTCACGGTGCCCGACA-3'